The following is an entry in ClinVar:

NM_000428.3(LTBP2):c.5215A>G (p.Ile1739Val)

Gene: LTBP2 (latent transforming growth factor beta binding protein 2; minus strand). Cytogenetic location: 14q24.3.
Variant type: single nucleotide variant.
Coding change: c.5215A>G on transcript NM_000428.3 (MANE Select); coding-DNA position 5215, A replaced by G.
Protein change: p.Ile1739Val; replaces isoleucine 1739 with valine.
Molecular consequence: missense variant.
Genome position (GRCh38, 1-based): chr14:74,501,546, T>C on the plus strand (A>G on the coding strand, the complement: LTBP2 is on the minus strand). VCF-style: chr14-74501546-T-C. GRCh37 (hg19) VCF-style: chr14-74968249-T-C.
Other names: short protein forms I1739V.
Identifiers: ClinVar variation 886436 (VCV000886436.5), dbSNP rs1435761349, ClinGen allele CA390382398.

ClinVar aggregate classification (germline): Uncertain significance. Review status: criteria provided, multiple submitters, no conflicts (2 of 4 stars). 3 submissions from 2 submitters: Uncertain significance (3). Last evaluated 2022-07-17.

Conditions:
Weill-Marchesani syndrome. Also called: WM Syndrome; Mesodermal dysmorphodystrophy congenital. Identifiers: Orphanet 3449, MedGen C0265313, MONDO:0018096.
Glaucoma 3, primary congenital, D. Identifiers: Orphanet 98976, MedGen C2751316, MONDO:0013122, OMIM 613086.

Allele frequency attached by ClinVar (database versions not stated): gnomAD exomes 0.00001; TOPMed 0.00001; gnomAD 0.00003.
gnomAD v4.1: 13 of 1,614,020 alleles (0.00081%); highest among the groups gnomAD compares: African/African-American, 0.0013%; no homozygotes.

Submissions (3):

Labcorp Genetics (formerly Invitae), Labcorp
Classification: Uncertain significance. Last evaluated: 2022-07-17. Review status: criteria provided, single submitter. Criteria: Invitae Variant Classification Sherloc (09022015). Collection method: clinical testing. Allele origin: germline.
Comment: This sequence change replaces isoleucine, which is neutral and non-polar, with valine, which is neutral and non-polar, at codon 1739 of the LTBP2 protein (p.Ile1739Val). This variant is present in population databases (no rsID available, gnomAD 0.004%). This variant has not been reported in the literature in individuals affected with LTBP2-related conditions. ClinVar contains an entry for this variant (Variation ID: 886436). Algorithms developed to predict the effect of missense changes on protein structure and function output the following: SIFT: "Tolerated"; PolyPhen-2: "Benign"; Align-GVGD: "Class C0". The valine amino acid residue is found in multiple mammalian species, which suggests that this missense change does not adversely affect protein function. In summary, the available evidence is currently insufficient to determine the role of this variant in disease. Therefore, it has been classified as a Variant of Uncertain Significance.

Illumina Laboratory Services, Illumina
Classification: Uncertain significance for Weill-Marchesani syndrome. Last evaluated: 2018-01-13. Review status: criteria provided, single submitter. Criteria: ICSL Variant Classification Criteria 13 December 2019. Collection method: clinical testing. Allele origin: germline.

Illumina Laboratory Services, Illumina
Classification: Uncertain significance for Glaucoma 3, primary congenital, D. Last evaluated: 2018-01-13. Review status: criteria provided, single submitter. Criteria: ICSL Variant Classification Criteria 13 December 2019. Collection method: clinical testing. Allele origin: germline.